The following is an entry in ClinVar:

ClinVar aggregate classification (germline): Uncertain significance (1 of 4 stars; one submission).

Allele frequency attached by ClinVar (database versions not stated): gnomAD exomes 0.00004; ExAC 0.00006; gnomAD 0.00007 and 0.00009; ESP Exome Variant Server 0.00008; TOPMed 0.00008.
gnomAD v4.1: 55 of 1,610,872 alleles (0.0034%); highest among the groups gnomAD compares: African/African-American, 0.023%; no homozygotes.

Submission:

Labcorp Genetics (formerly Invitae), Labcorp
Classification: Uncertain significance. Last evaluated: 2021-12-09. Review status: criteria provided, single submitter. Criteria: Invitae Variant Classification Sherloc (09022015). Collection method: clinical testing. Allele origin: germline.
Comment: This sequence change replaces arginine, which is basic and polar, with tryptophan, which is neutral and slightly polar, at codon 594 of the PLOD3 protein (p.Arg594Trp). This variant is present in population databases (rs369393050, gnomAD 0.02%). This variant has not been reported in the literature in individuals affected with PLOD3-related conditions. Algorithms developed to predict the effect of missense changes on protein structure and function are either unavailable or do not agree on the potential impact of this missense change (SIFT: "Deleterious"; PolyPhen-2: "Possibly Damaging"; Align-GVGD: "Class C0"). In summary, the available evidence is currently insufficient to determine the role of this variant in disease. Therefore, it has been classified as a Variant of Uncertain Significance.

NM_001084.5(PLOD3):c.1780C>T (p.Arg594Trp)

Gene: PLOD3 (procollagen-lysine,2-oxoglutarate 5-dioxygenase 3; minus strand). Cytogenetic location: 7q22.1.
Variant type: single nucleotide variant.
Coding change: c.1780C>T on transcript NM_001084.5 (MANE Select); coding-DNA position 1780, C replaced by T.
Protein change: p.Arg594Trp; replaces arginine 594 with tryptophan.
Molecular consequence: missense variant.
Genome position (GRCh38, 1-based): chr7:101,208,861, G>A on the plus strand (C>T on the coding strand, the complement: PLOD3 is on the minus strand). VCF-style: chr7-101208861-G-A. GRCh37 (hg19) VCF-style: chr7-100852142-G-A.
Other names: short protein forms R594W.
Identifiers: ClinVar variation 1442602 (VCV001442602.3), dbSNP rs369393050, ClinGen allele CA4407534.